The following is an entry in ClinVar:

ClinVar aggregate classification (germline): Uncertain significance. Review status: criteria provided, multiple submitters, no conflicts (2 of 4 stars). 3 submissions from 3 submitters: Uncertain significance (3). Last evaluated 2025-04-14.

Conditions:
Hereditary cancer-predisposing syndrome. Also called: Hereditary neoplastic syndrome; Neoplastic Syndromes, Hereditary; Tumor predisposition; Hereditary Cancer Syndrome. Identifiers: Orphanet 140162, MedGen C0027672, MeSH D009386, MONDO:0015356.
Tuberous sclerosis 2 (TSC2). Identifiers: Orphanet 805, MedGen C1860707, MONDO:0013199, OMIM 613254.
Tuberous sclerosis syndrome (TSC). Also called: Tuberous Sclerosis Complex; Tuberous sclerosis. Identifiers: Orphanet 805, MedGen C0041341, MONDO:0001734.

Submissions (3):

Ambry Genetics
Classification: Uncertain significance for Hereditary cancer-predisposing syndrome. Last evaluated: 2025-04-14. Review status: criteria provided, single submitter. Criteria: Ambry Variant Classification Scheme 2023. Collection method: clinical testing. Allele origin: germline.
Comment: The p.A306V variant (also known as c.917C>T), located in coding exon 9 of the TSC2 gene, results from a C to T substitution at nucleotide position 917. The alanine at codon 306 is replaced by valine, an amino acid with similar properties. This amino acid position is conserved. In addition, this alteration is predicted to be deleterious by in silico analysis. Based on the available evidence, the clinical significance of this variant remains unclear.

Labcorp Genetics (formerly Invitae), Labcorp
Classification: Uncertain significance for Tuberous sclerosis 2. Last evaluated: 2024-03-13. Review status: criteria provided, single submitter. Criteria: Invitae Variant Classification Sherloc (09022015). Collection method: clinical testing. Allele origin: germline.
Comment: This sequence change replaces alanine, which is neutral and non-polar, with valine, which is neutral and non-polar, at codon 306 of the TSC2 protein (p.Ala306Val). This variant is not present in population databases (gnomAD no frequency). This variant has not been reported in the literature in individuals affected with TSC2-related conditions. ClinVar contains an entry for this variant (Variation ID: 1022711). Advanced modeling of protein sequence and biophysical properties (such as structural, functional, and spatial information, amino acid conservation, physicochemical variation, residue mobility, and thermodynamic stability) performed at Invitae indicates that this missense variant is not expected to disrupt TSC2 protein function with a negative predictive value of 95%. In summary, the available evidence is currently insufficient to determine the role of this variant in disease. Therefore, it has been classified as a Variant of Uncertain Significance.

All of Us Research Program, National Institutes of Health
Classification: Uncertain significance for Tuberous sclerosis syndrome. Last evaluated: 2023-08-08. Review status: criteria provided, single submitter. Criteria: ACMG Guidelines, 2015. Collection method: clinical testing. Allele origin: germline. Inheritance: Autosomal dominant inheritance. Observed: 1 variant allele, 1 heterozygote.
Comment: This missense variant replaces alanine with valine at codon 306 of the TSC2 protein. Computational prediction suggests that this variant may not impact protein structure and function (internally defined REVEL score threshold <= 0.5, PMID: 27666373). To our knowledge, functional studies have not been reported for this variant. This variant has not been reported in individuals affected with TSC2-related disorders in the literature. This variant has not been identified in the general population by the Genome Aggregation Database (gnomAD). The available evidence is insufficient to determine the role of this variant in disease conclusively. Therefore, this variant is classified as a Variant of Uncertain Significance.

This study involves interpretation of variants in research participants for the purpose of population health screening. Participant phenotype was not available at the time of variant classification. Additional details can be found in publication PMID: 35346344, PMCID: PMC8962531

NM_000548.5(TSC2):c.917C>T (p.Ala306Val)

Gene: TSC2 (TSC complex subunit 2; plus strand). Cytogenetic location: 16p13.3.
Variant type: single nucleotide variant.
Coding change: c.917C>T on transcript NM_000548.5 (MANE Select); coding-DNA position 917, C replaced by T.
Protein change: p.Ala306Val; replaces alanine 306 with valine.
Molecular consequence: missense variant.
Genome position (GRCh38, 1-based): chr16:2,058,815, C>T. VCF-style: chr16-2058815-C-T. GRCh37 (hg19) VCF-style: chr16-2108816-C-T.
Other names: c.917C>T, p.Ala306Val (NM_001370404.1, NM_001370405.1, NM_021055.3 and 3 more transcripts); c.770C>T, p.Ala257Val (NM_001318829.2); c.317C>T, p.Ala106Val (NM_001318831.2); c.950C>T, p.Ala317Val (NM_001318832.2); c.806C>T, p.Ala269Val (NM_001318827.2); c.917C>T (NM_000548.3); short protein forms A106V, A257V, A269V, A306V, A317V.
Identifiers: ClinVar variation 1022711 (VCV001022711.10), dbSNP rs2086235107, ClinGen allele CA394315362.